The following is an entry in ClinVar:

ClinVar aggregate classification (germline): Uncertain significance. Review status: criteria provided, multiple submitters, no conflicts (2 of 4 stars). 4 submissions from 3 submitters: Uncertain significance (4). Last evaluated 2023-09-25.

Conditions:
Emery-Dreifuss muscular dystrophy 4, autosomal dominant (EDMD4). Also called: EMERY-DREIFUSS MUSCULAR DYSTROPHY 4 WITH VARIABLE FEATURES. Identifiers: Orphanet 261, MedGen C2751807, MONDO:0013071, OMIM 612998.
Autosomal recessive ataxia, Beauce type. Also called: ATAXIA, RECESSIVE, OF BEAUCE; SYNE1 Deficiency; SYNE1-Related Autosomal Recessive Cerebellar Ataxia; Spinocerebellar ataxia, autosomal recessive 8. Identifiers: Orphanet 88644, MedGen C1853116, MONDO:0012549, OMIM 610743.

Allele frequency attached by ClinVar (database versions not stated): gnomAD exomes below 0.00001 and 0.00001; TOPMed 0.00001.
gnomAD v4.1: 10 of 1,614,196 alleles (0.00062%); highest among the groups gnomAD compares: Admixed American, 0.005%; no homozygotes.

Submissions (4):

Revvity Omics, Revvity
Classification: Uncertain significance. Last evaluated: 2023-09-25. Review status: criteria provided, single submitter. Criteria: ACMG Guidelines, 2015. Collection method: clinical testing. Allele origin: germline.

Labcorp Genetics (formerly Invitae), Labcorp
Classification: Uncertain significance for Emery-Dreifuss muscular dystrophy 4, autosomal dominant; Autosomal recessive ataxia, Beauce type. Last evaluated: 2023-08-30. Review status: criteria provided, single submitter. Criteria: Invitae Variant Classification Sherloc (09022015). Collection method: clinical testing. Allele origin: germline.
Comment: This variant is not present in population databases (gnomAD no frequency). In summary, the available evidence is currently insufficient to determine the role of this variant in disease. Therefore, it has been classified as a Variant of Uncertain Significance. An algorithm developed to predict the effect of missense changes on protein structure and function (PolyPhen-2) suggests that this variant is likely to be tolerated. ClinVar contains an entry for this variant (Variation ID: 906567). This variant has not been reported in the literature in individuals affected with SYNE1-related conditions. This sequence change replaces aspartic acid, which is acidic and polar, with glycine, which is neutral and non-polar, at codon 2322 of the SYNE1 protein (p.Asp2322Gly).

Illumina Laboratory Services, Illumina
Classification: Uncertain significance for Emery-Dreifuss muscular dystrophy 4, autosomal dominant. Last evaluated: 2018-01-13. Review status: criteria provided, single submitter. Criteria: ICSL Variant Classification Criteria 13 December 2019. Collection method: clinical testing. Allele origin: germline.

Illumina Laboratory Services, Illumina
Classification: Uncertain significance for Autosomal recessive ataxia, Beauce type. Last evaluated: 2018-01-13. Review status: criteria provided, single submitter. Criteria: ICSL Variant Classification Criteria 13 December 2019. Collection method: clinical testing. Allele origin: germline.

NM_182961.4(SYNE1):c.6944A>G (p.Asp2315Gly)

Gene: SYNE1 (spectrin repeat containing nuclear envelope protein 1; minus strand). Cytogenetic location: 6q25.2.
Variant type: single nucleotide variant.
Coding change: c.6944A>G on transcript NM_182961.4 (MANE Select); coding-DNA position 6944, A replaced by G.
Protein change: p.Asp2315Gly; replaces aspartic acid 2315 with glycine.
Molecular consequence: missense variant.
Genome position (GRCh38, 1-based): chr6:152,401,223, T>C on the plus strand (A>G on the coding strand, the complement: SYNE1 is on the minus strand). VCF-style: chr6-152401223-T-C. GRCh37 (hg19) VCF-style: chr6-152722358-T-C.
Other names: c.6965A>G, p.Asp2322Gly (NM_033071.5); short protein forms D2315G, D2322G.
Identifiers: ClinVar variation 906567 (VCV000906567.9), dbSNP rs1395736433, ClinGen allele CA366119690.